The following is an entry in ClinVar:

ClinVar aggregate classification (germline): Conflicting classifications of pathogenicity. Review status: criteria provided, conflicting classifications (1 of 4 stars). 4 submissions from 4 submitters: Uncertain significance (3); Likely benign (1). Last evaluated 2026-04-03.

Conditions:
SMARCE1-related disorder. Also called: SMARCE1-related condition.
Hereditary cancer-predisposing syndrome. Also called: Neoplastic Syndromes, Hereditary; Tumor predisposition; Hereditary Cancer Syndrome; Hereditary neoplastic syndrome. Identifiers: Orphanet 140162, MedGen C0027672, MeSH D009386, MONDO:0015356.
Familial meningioma. Also called: Meningioma, familial, susceptibility to. Identifiers: Orphanet 263662, MedGen C3551915, MONDO:0011789, OMIM 607174.

Allele frequency attached by ClinVar (database versions not stated): gnomAD exomes 0.00001 and 0.00002; ExAC 0.00002.
gnomAD v4.1: 13 of 1,614,166 alleles (0.00081%); highest among the groups gnomAD compares: South Asian, 0.0033%; no homozygotes.

Submissions (4):

PreventionGenetics, part of Exact Sciences
Classification: Uncertain significance for SMARCE1-related condition. Last evaluated: 2026-04-03. Review status: criteria provided, single submitter. Criteria: ACMG Guidelines, 2015. Collection method: clinical testing. Allele origin: germline.
Comment: The SMARCE1 c.988G>A variant is predicted to result in the amino acid substitution p.Glu330Lys. To our knowledge, this variant has not been reported in the literature. It is reported in 0.0065% of alleles in individuals of South Asian descent in gnomAD and has conflicting interpretations in ClinVar ranging from likely benign to uncertain (Variation ID: 567118). At this time, the clinical significance of this variant is uncertain due to the absence of conclusive functional and genetic evidence.

Labcorp Genetics (formerly Invitae), Labcorp
Classification: Uncertain significance for Familial meningioma. Last evaluated: 2025-05-22. Review status: criteria provided, single submitter. Criteria: Invitae Variant Classification Sherloc (09022015). Collection method: clinical testing. Allele origin: germline.
Comment: This sequence change replaces glutamic acid, which is acidic and polar, with lysine, which is basic and polar, at codon 330 of the SMARCE1 protein (p.Glu330Lys). This variant is present in population databases (rs755389218, gnomAD 0.006%). This variant has not been reported in the literature in individuals affected with SMARCE1-related conditions. ClinVar contains an entry for this variant (Variation ID: 567118). Invitae Evidence Modeling of protein sequence and biophysical properties (such as structural, functional, and spatial information, amino acid conservation, physicochemical variation, residue mobility, and thermodynamic stability) indicates that this missense variant is not expected to disrupt SMARCE1 protein function with a negative predictive value of 80%. In summary, the available evidence is currently insufficient to determine the role of this variant in disease. Therefore, it has been classified as a Variant of Uncertain Significance.

Baylor Genetics
Classification: Uncertain significance for Familial meningioma. Last evaluated: 2024-03-21. Review status: criteria provided, single submitter. Criteria: ACMG Guidelines, 2015. Collection method: clinical testing. Allele origin: unknown.

Ambry Genetics
Classification: Likely benign for Hereditary cancer-predisposing syndrome. Last evaluated: 2022-03-02. Review status: criteria provided, single submitter. Criteria: Ambry Variant Classification Scheme 2023. Collection method: clinical testing. Allele origin: germline.

NM_003079.5(SMARCE1):c.988G>A (p.Glu330Lys)

Gene: SMARCE1 (SWI/SNF related BAF chromatin remodeling complex subunit E1; minus strand). Cytogenetic location: 17q21.2.
Variant type: single nucleotide variant.
Coding change: c.988G>A on transcript NM_003079.5 (MANE Select); coding-DNA position 988, G replaced by A.
Protein change: p.Glu330Lys; replaces glutamic acid 330 with lysine.
Molecular consequence: missense variant.
Genome position (GRCh38, 1-based): chr17:40,630,753, C>T on the plus strand (G>A on the coding strand, the complement: SMARCE1 is on the minus strand). VCF-style: chr17-40630753-C-T. GRCh37 (hg19) VCF-style: chr17-38787005-C-T.
Other names: short protein forms E330K.
Identifiers: ClinVar variation 567118 (VCV000567118.14), dbSNP rs755389218, ClinGen allele CA8545125.